The following is an entry in ClinVar:

ClinVar aggregate classification (germline): Uncertain significance (1 of 4 stars; one submission).

Conditions:
Hereditary cancer-predisposing syndrome. Also called: Neoplastic Syndromes, Hereditary; Tumor predisposition; Hereditary Cancer Syndrome; Hereditary neoplastic syndrome. Identifiers: Orphanet 140162, MedGen C0027672, MeSH D009386, MONDO:0015356.

Submission:

Ambry Genetics
Classification: Uncertain significance for Hereditary cancer-predisposing syndrome. Last evaluated: 2021-12-11. Review status: criteria provided, single submitter. Criteria: Ambry Variant Classification Scheme 2023. Collection method: clinical testing. Allele origin: germline.
Comment: The p.D1192Y variant (also known as c.3574G>T), located in coding exon 19 of the BRIP1 gene, results from a G to T substitution at nucleotide position 3574. The aspartic acid at codon 1192 is replaced by tyrosine, an amino acid with highly dissimilar properties. This amino acid position is conserved. In addition, this alteration is predicted to be tolerated by in silico analysis. Since supporting evidence is limited at this time, the clinical significance of this alteration remains unclear.

NM_032043.3(BRIP1):c.3574G>T (p.Asp1192Tyr)

Gene: BRIP1 (BRCA1 interacting DNA helicase 1; minus strand). Cytogenetic location: 17q23.2.
Variant type: single nucleotide variant.
Coding change: c.3574G>T on transcript NM_032043.3 (MANE Select); coding-DNA position 3574, G replaced by T.
Protein change: p.Asp1192Tyr; replaces aspartic acid 1192 with tyrosine.
Molecular consequence: missense variant.
Genome position (GRCh38, 1-based): chr17:61,683,472, C>A on the plus strand (G>T on the coding strand, the complement: BRIP1 is on the minus strand). VCF-style: chr17-61683472-C-A. GRCh37 (hg19) VCF-style: chr17-59760833-C-A.
Other names: short protein forms D1192Y.
Identifiers: ClinVar variation 1732820 (VCV001732820.2), dbSNP rs2144071329, ClinGen allele CA400478199.